The following is an entry in ClinVar:

ClinVar aggregate classification (germline): Uncertain significance (1 of 4 stars; one submission).

Allele frequency attached by ClinVar (database versions not stated): gnomAD exomes below 0.00001; gnomAD 0.00001 and 0.00002; TOPMed 0.00002.
gnomAD v4.1: 3 of 1,612,874 alleles (0.00019%); highest among the groups gnomAD compares: African/African-American, 0.0027%; no homozygotes.

Submission:

Labcorp Genetics (formerly Invitae), Labcorp
Classification: Uncertain significance. Last evaluated: 2022-05-04. Review status: criteria provided, single submitter. Criteria: Invitae Variant Classification Sherloc (09022015). Collection method: clinical testing. Allele origin: germline.
Comment: This sequence change replaces isoleucine, which is neutral and non-polar, with valine, which is neutral and non-polar, at codon 397 of the USH2A protein (p.Ile397Val). This variant is not present in population databases (gnomAD no frequency). This variant has not been reported in the literature in individuals affected with USH2A-related conditions. Algorithms developed to predict the effect of missense changes on protein structure and function output the following: SIFT: "Tolerated"; PolyPhen-2: "Benign"; Align-GVGD: "Class C0". The valine amino acid residue is found in multiple mammalian species, which suggests that this missense change does not adversely affect protein function. Algorithms developed to predict the effect of sequence changes on RNA splicing suggest that this variant may create or strengthen a splice site. In summary, the available evidence is currently insufficient to determine the role of this variant in disease. Therefore, it has been classified as a Variant of Uncertain Significance.

NM_206933.4(USH2A):c.1189A>G (p.Ile397Val)

Gene: USH2A (usherin; minus strand). Cytogenetic location: 1q41.
Variant type: single nucleotide variant.
Coding change: c.1189A>G on transcript NM_206933.4 (MANE Select); coding-DNA position 1189, A replaced by G.
Protein change: p.Ile397Val; replaces isoleucine 397 with valine.
Molecular consequence: missense variant.
Genome position (GRCh38, 1-based): chr1:216,324,307, T>C on the plus strand (A>G on the coding strand, the complement: USH2A is on the minus strand). VCF-style: chr1-216324307-T-C. GRCh37 (hg19) VCF-style: chr1-216497649-T-C.
Other names: c.1189A>G, p.Ile397Val (NM_007123.6); short protein forms I397V.
Identifiers: ClinVar variation 1463908 (VCV001463908.5), dbSNP rs984959407, ClinGen allele CA37898345.